The following is an entry in ClinVar:

NM_001170629.2(CHD8):c.3700C>T (p.Gln1234Ter)

Gene: CHD8 (chromodomain helicase DNA binding protein 8; minus strand). Cytogenetic location: 14q11.2.
Variant type: single nucleotide variant.
Coding change: c.3700C>T on transcript NM_001170629.2 (MANE Select); coding-DNA position 3700, C replaced by T.
Protein change: p.Gln1234Ter; replaces glutamine 1234 with a stop codon.
Molecular consequence: nonsense.
Genome position (GRCh38, 1-based): chr14:21,403,031, G>A on the plus strand (C>T on the coding strand, the complement: CHD8 is on the minus strand). VCF-style: chr14-21403031-G-A. GRCh37 (hg19) VCF-style: chr14-21871190-G-A.
Other names: c.2863C>T, p.Gln955Ter (NM_020920.4); short protein forms Q955*, Q1234*.
Identifiers: ClinVar variation 5005298 (VCV005005298.2).
Genomic context (GRCh38, chr14:21,403,031, plus strand): 5'-TCTCCCAAGTTAGGTAGTTAGTCCCTAAGACAATGAATTCCTTTACCTGCAGGTCATTTT[G>A]TGGATTCCAGTCTGAATCAAAGATGATGCAGGTATCAGCAGCTGTAAGATTAATACCAAG-3'

ClinVar aggregate classification (germline): Likely pathogenic (1 of 4 stars; one submission).

Conditions:
Intellectual developmental disorder with autism and macrocephaly. Also called: CHD8-Related Neurodevelopmental Disorder with Overgrowth; Autism, susceptibility to, 18. Identifiers: Orphanet 642675, MedGen C3554373, MONDO:0014017, OMIM 615032.

Submission:

Juno Genomics, Hangzhou Juno Genomics, Inc
Classification: Likely pathogenic for Intellectual developmental disorder with autism and macrocephaly. Review status: criteria provided, single submitter. Criteria: ACMG Guidelines, 2015. Collection method: clinical testing. Allele origin: germline.
Comment: Null variant in a gene where loss of function (LOF) is a known mechanism of disease.;Absent from controls (or at extremely low frequency if recessive) in Genome Aggregation Database.